The following is an entry in ClinVar:

ClinVar aggregate classification (germline): Uncertain significance (1 of 4 stars; one submission).

Conditions:
Sclerosteosis 2 (SOST2). Identifiers: Orphanet 3152, MedGen C3280402, MONDO:0013679, OMIM 614305.
Congenital myasthenic syndrome 17. Identifiers: Orphanet 590, MedGen C4225377, MONDO:0014578, OMIM 616304.
Cenani-Lenz syndactyly syndrome. Also called: SYNDACTYLY, TYPE VII; CENANI SYNDACTYLISM. Identifiers: Orphanet 3258, MedGen C1859309, MONDO:0008931, OMIM 212780.

Submission:

Labcorp Genetics (formerly Invitae), Labcorp
Classification: Uncertain significance for Cenani-Lenz syndactyly syndrome; Sclerosteosis 2; Congenital myasthenic syndrome 17. Last evaluated: 2021-10-28. Review status: criteria provided, single submitter. Criteria: Invitae Variant Classification Sherloc (09022015). Collection method: clinical testing. Allele origin: germline.
Comment: This variant is not present in population databases (gnomAD no frequency). This sequence change replaces serine, which is neutral and polar, with asparagine, which is neutral and polar, at codon 1668 of the LRP4 protein (p.Ser1668Asn). This variant has not been reported in the literature in individuals affected with LRP4-related conditions. In summary, the available evidence is currently insufficient to determine the role of this variant in disease. Therefore, it has been classified as a Variant of Uncertain Significance. Algorithms developed to predict the effect of missense changes on protein structure and function output the following: SIFT: "Tolerated"; PolyPhen-2: "Benign"; Align-GVGD: "Class C0". The asparagine amino acid residue is found in multiple mammalian species, which suggests that this missense change does not adversely affect protein function.

NM_002334.4(LRP4):c.5003G>A (p.Ser1668Asn)

Genes: LRP4 (LDL receptor related protein 4; minus strand), LRP4-AS1 (LRP4 antisense RNA 1; plus strand). Cytogenetic location: 11p11.2.
Variant type: single nucleotide variant.
Coding change: c.5003G>A on transcript NM_002334.4 (MANE Select); coding-DNA position 5003, G replaced by A.
Protein change: p.Ser1668Asn; replaces serine 1668 with asparagine.
Molecular consequence: missense variant.
Genome position (GRCh38, 1-based): chr11:46,868,063, C>T on the plus strand (G>A on the coding strand, the complement: LRP4 is on the minus strand). VCF-style: chr11-46868063-C-T. GRCh37 (hg19) VCF-style: chr11-46889614-C-T.
Other names: short protein forms S1668N.
Identifiers: ClinVar variation 1518648 (VCV001518648.6), dbSNP rs2134774974, ClinGen allele CA380262996.